The following is an entry in ClinVar:

ClinVar aggregate classification (germline): Pathogenic. Review status: reviewed by expert panel (3 of 4 stars). 10 submissions from 10 submitters: Pathogenic (1). 9 of the submissions do not count toward it. Last evaluated 2017-03-17.

Conditions:
CFTR-related disorder (CFTR-RD). Also called: CFTR-related condition; CFTR-related disorders. Identifiers: MedGen C5924204, MONDO:7770004.
Bronchiectasis with or without elevated sweat chloride 1 (BESC1). Also called: Cystic Fibrosis-Like Syndrome. Identifiers: Orphanet 60033, MedGen C2749757, MONDO:0008887, OMIM 211400.
Congenital bilateral aplasia of vas deferens from CFTR mutation (CBAVD). Identifiers: Orphanet 48, MedGen C0403814, MONDO:0010178, OMIM 277180. Disease mechanism: loss of function.
Cystic fibrosis (CF). Also called: MUCOVISCIDOSIS. Identifiers: Orphanet 586, MedGen C0010674, MONDO:0009061, OMIM 219700. Disease mechanism: loss of function.
Hereditary pancreatitis (PCTT). Also called: PRSS1-Related Hereditary Pancreatitis; Hereditary chronic pancreatitis. Identifiers: Orphanet 676, MedGen C0238339, MONDO:0008185, OMIM 167800.

Submissions (10):

CFTR2
Classification: Pathogenic for Cystic fibrosis. Last evaluated: 2017-03-17. Review status: reviewed by expert panel. Criteria: Sosnay PR et al. (Nat Genet 2013). Collection method: research. Allele origin: germline. Affected: yes. Study: CFTR2.

Natera, Inc.
Classification: Pathogenic for CFTR-related disorders. Last evaluated: 2025-11-19. Review status: criteria provided, single submitter. Criteria: Natera Variant Classification Schema (03/2026). Collection method: clinical testing. Allele origin: germline. Not counted in ClinVar's aggregate classification.
Comment: The c.2583delT variant in CFTR is a frameshift variant predicted to shift the reading frame beginning at codon 861 and leads to a stop codon 3 codons downstream. This variant is expected to result in nonsense mediated decay, truncation, or a dysfunctional protein product. This variant is rare in the general population with a frequency below the threshold expected for the associated phenotype(s). This variant has been observed in one or more individuals affected with the associated recessive disease, as either homozygous or compound heterozygous with a second variant (PMID: 26900683). Given the available evidence, this variant is classified as Pathogenic.

Ambry Genetics
Classification: Pathogenic for Cystic fibrosis. Last evaluated: 2025-04-01. Review status: criteria provided, single submitter. Criteria: Ambry Variant Classification Scheme 2023. Collection method: clinical testing. Allele origin: germline. Not counted in ClinVar's aggregate classification.
Comment: The c.2583delT pathogenic mutation, located in coding exon 15 of the CFTR gene, results from a deletion of one nucleotide at nucleotide position 2583, causing a translational frameshift with a predicted alternate stop codon (p.F861Lfs*3). This variant is considered to be rare based on population cohorts in the Genome Aggregation Database (gnomAD). This alteration is expected to result in loss of function by premature protein truncation or nonsense-mediated mRNA decay. As such, this alteration is interpreted as a disease-causing mutation.

Fulgent Genetics
Classification: Pathogenic for Hereditary pancreatitis; Bronchiectasis with or without elevated sweat chloride 1; Cystic fibrosis; Congenital bilateral aplasia of vas deferens from CFTR mutation. Last evaluated: 2024-02-02. Review status: criteria provided, single submitter. Criteria: ACMG Guidelines, 2015. Collection method: clinical testing. Allele origin: germline. Not counted in ClinVar's aggregate classification.

Labcorp Genetics (formerly Invitae), Labcorp
Classification: Pathogenic for Cystic fibrosis. Last evaluated: 2024-01-03. Review status: criteria provided, single submitter. Criteria: Invitae Variant Classification Sherloc (09022015). Collection method: clinical testing. Allele origin: germline. Not counted in ClinVar's aggregate classification.
Comment: This sequence change creates a premature translational stop signal (p.Phe861Leufs*3) in the CFTR gene. It is expected to result in an absent or disrupted protein product. Loss-of-function variants in CFTR are known to be pathogenic (PMID: 1695717, 7691345, 9725922). This variant is not present in population databases (gnomAD no frequency). This premature translational stop signal has been observed in individual(s) with clinical features of cystic fibrosis (PMID: 7581406, 21184098). This variant is also known as c.2711delT. ClinVar contains an entry for this variant (Variation ID: 53515). For these reasons, this variant has been classified as Pathogenic.

Baylor Genetics
Classification: Pathogenic for Bronchiectasis with or without elevated sweat chloride 1. Last evaluated: 2023-10-20. Review status: criteria provided, single submitter. Criteria: ACMG Guidelines, 2015. Collection method: clinical testing. Allele origin: unknown. Not counted in ClinVar's aggregate classification.

Women's Health and Genetics/Laboratory Corporation of America, LabCorp
Classification: Pathogenic for Cystic fibrosis. Last evaluated: 2019-07-29. Review status: criteria provided, single submitter. Criteria: LabCorp Variant Classification Summary - May 2015. Collection method: clinical testing. Allele origin: germline. Not counted in ClinVar's aggregate classification.
Comment: Variant summary: CFTR c.2583delT (p.Phe861LeufsX3) results in a premature termination codon, predicted to cause a truncation of the encoded protein or absence of the protein due to nonsense mediated decay, which are commonly known mechanisms for disease. Truncations downstream of this position have been classified as pathogenic by our laboratory. The variant was absent in 251322 control chromosomes. c.2583delT has been reported in the literature in multiple individuals affected with Cystic Fibrosis (Sosnay_2013). These data indicate that the variant is very likely to be associated with disease. To our knowledge, no experimental evidence demonstrating an impact on protein function has been reported. Two clinical diagnostic laboratories and one expert panel (CFTR2) have submitted clinical-significance assessments for this variant to ClinVar after 2014 without evidence for independent evaluation. All submitters classified the variant as pathogenic. Based on the evidence outlined above, the variant was classified as pathogenic.

Mendelics
Classification: Pathogenic for Cystic fibrosis. Last evaluated: 2018-11-05. Review status: criteria provided, single submitter. Criteria: Mendelics Assertion Criteria 2017. Collection method: clinical testing. Allele origin: unknown. Affected: yes. Not counted in ClinVar's aggregate classification.

CFTR-France
Classification: Pathogenic for cystic fibrosis. Last evaluated: 2018-01-29. Review status: criteria provided, single submitter. Criteria: Claustres M et al. (Hum Mutat 2017). Collection method: curation. Allele origin: germline. Affected: yes. Not counted in ClinVar's aggregate classification.

Counsyl
Classification: Pathogenic for Cystic fibrosis. Last evaluated: 2016-07-21. Review status: no assertion criteria provided. Collection method: clinical testing. Allele origin: unknown. Not counted in ClinVar's aggregate classification.

Literature cited by the submitters: PubMed 26900683 (cited by Natera, Inc.); PubMed 1695717 (cited by Labcorp Genetics (formerly Invitae), Labcorp); PubMed 7691345 (cited by Labcorp Genetics (formerly Invitae), Labcorp); PubMed 9725922 (cited by Labcorp Genetics (formerly Invitae), Labcorp); PubMed 7581406 (cited by Labcorp Genetics (formerly Invitae), Labcorp); PubMed 21184098 (cited by Labcorp Genetics (formerly Invitae), Labcorp); PubMed 23974870 (cited by Women's Health and Genetics/Laboratory Corporation of America, LabCorp and Counsyl).

NM_000492.4(CFTR):c.2583del (p.Phe861fs)

Gene: CFTR (CF transmembrane conductance regulator; plus strand). Cytogenetic location: 7q31.2.
Variant type: Deletion.
Coding change: c.2583del on transcript NM_000492.4 (MANE Select); coding-DNA position 2583, one base deleted (T; older notation c.2583delT).
Protein change: p.Phe861fs; shifts the reading frame from phenylalanine 861.
Molecular consequence: frameshift variant.
Genome position (GRCh38, 1-based): chr7:117,595,022, T deleted; the last of 5 consecutive T bases (chr7:117,595,018-117,595,022); deleting any one gives the same sequence. VCF-style (leftmost placement, unchanged base first): chr7-117595017-AT-A. GRCh37 (hg19) VCF-style: chr7-117235071-AT-A.
Other names: 2711delT; c.2583delT (NM_000492.3); short protein forms F861fs.
Identifiers: ClinVar variation 53515 (VCV000053515.14), dbSNP rs397508399, ClinGen allele CA328105.